The following is an entry in ClinVar:

ClinVar aggregate classification (germline): Likely pathogenic (1 of 4 stars; one submission).

Submission:

CeGaT Center for Human Genetics Tuebingen
Classification: Likely pathogenic. Last evaluated: 2022-07-01. Review status: criteria provided, single submitter. Criteria: CeGaT Center For Human Genetics Tuebingen Variant Classification Criteria Version 2. Collection method: clinical testing. Allele origin: germline. Affected: yes. Observed: 1 variant allele.
Comment: MEFV: PVS1:Strong, PM2

NM_000243.3(MEFV):c.1900C>T (p.Gln634Ter)

Genes: MEFV (MEFV innate immunity regulator, pyrin; minus strand), LOC126862264 (CDK7 strongly-dependent group 2 enhancer GRCh37_chr16:3293322-3294521; plus strand). Cytogenetic location: 16p13.3.
Variant type: single nucleotide variant.
Coding change: c.1900C>T on transcript NM_000243.3 (MANE Select); coding-DNA position 1900, C replaced by T.
Protein change: p.Gln634Ter; replaces glutamine 634 with a stop codon.
Molecular consequence: nonsense. On other transcripts: 3 prime UTR variant (1).
Genome position (GRCh38, 1-based): chr16:3,243,587, G>A on the plus strand (C>T on the coding strand, the complement: MEFV is on the minus strand). VCF-style: chr16-3243587-G-A. GRCh37 (hg19) VCF-style: chr16-3293587-G-A.
Other names: c.*104C>T (NM_001198536.2); short protein forms Q634*.
Identifiers: ClinVar variation 1701272 (VCV001701272.31), dbSNP rs2141665094, ClinGen allele CA394487837.